The following is an entry in ClinVar:

NM_031263.4(HNRNPK):c.950_953+1dup

Gene: HNRNPK (heterogeneous nuclear ribonucleoprotein K; minus strand). Cytogenetic location: 9q21.32.
Variant type: Duplication.
Coding change: c.950_953+1dup on transcript NM_031263.4 (MANE Select); coding-DNA position 950 through the canonical splice donor site of the intron after coding-DNA position 953, 5 bases duplicated (GGGGG; older notation c.950_953+1dupGGGGG).
Molecular consequence: splice donor variant.
Genome position (GRCh38, 1-based): chr9:83,971,881-83,971,885, CCCCC duplicated on the plus strand (GGGGG on the coding strand, the reverse complement: HNRNPK is on the minus strand); duplicating any 5 consecutive bases within chr9:83,971,881-83,971,886 gives the same sequence; the c. name uses the placement nearest the transcript's 3' end. VCF-style (leftmost placement, unchanged base first): chr9-83971880-A-ACCCCC. GRCh37 (hg19) VCF-style: chr9-86586795-A-ACCCCC.
Other names: c.950_953+1dup (NM_031262.4, NM_002140.5, NM_001318188.2); c.878_881+1dup (NM_001318186.2, NM_001318187.2).
Identifiers: ClinVar variation 2499094 (VCV002499094.28), dbSNP rs863223402, ClinGen allele CA2580080622.

ClinVar aggregate classification (germline): Pathogenic (1 of 4 stars; one submission).

Submission:

CeGaT Center for Human Genetics Tuebingen
Classification: Pathogenic. Last evaluated: 2023-01-01. Review status: criteria provided, single submitter. Criteria: CeGaT Center For Human Genetics Tuebingen Variant Classification Criteria Version 2. Collection method: clinical testing. Allele origin: germline. Affected: yes. Observed: 1 variant allele.
Comment: HNRNPK: PVS1, PM2